The following is an entry in ClinVar:

NM_000287.4(PEX6):c.370C>T (p.Leu124=)

Gene: PEX6 (peroxisomal biogenesis factor 6; minus strand). Cytogenetic location: 6p21.1.
Variant type: single nucleotide variant.
Coding change: c.370C>T on transcript NM_000287.4 (MANE Select); coding-DNA position 370, C replaced by T.
Protein change: p.Leu124=; no amino-acid change (leucine 124 retained).
Molecular consequence: synonymous variant. On other transcripts: non-coding transcript variant (1).
Genome position (GRCh38, 1-based): chr6:42,978,781, G>A on the plus strand (C>T on the coding strand, the complement: PEX6 is on the minus strand). VCF-style: chr6-42978781-G-A. GRCh37 (hg19) VCF-style: chr6-42946519-G-A.
Other names: c.370C>T (NM_000287.3); c.370C>T, p.Leu124= (NM_001316313.2).
Identifiers: ClinVar variation 1132036 (VCV001132036.10), dbSNP rs2150240232, ClinGen allele CA450366392.
Genomic context (GRCh38, chr6:42,978,781, plus strand): 5'-CCGGCCGCGTCTCCAGCACCCGCGGTCCGGGCACTGGGAGGGTCTCTCCGCGCCTCACCA[G>A]CAGCGGCCCGACTCGCGGTCCGAGCCCAGGCCCCAGCGAGGTGCCAAGCAGTGCCCAACC-3'
Protein context (NP_000278.3, residues 114-134): PGLGPRVGPL[Leu124=]VRRGETLPVP

ClinVar aggregate classification (germline): Likely benign. Review status: criteria provided, multiple submitters, no conflicts (2 of 4 stars). 2 submissions from 2 submitters: Likely benign (2). Last evaluated 2026-02-02.

Conditions:
PEX6-related disorder. Also called: PEX6-related condition; PEX6-related disorders.
Peroxisome biogenesis disorder. Identifiers: Orphanet 79189, MedGen C1832200, MONDO:0019234. Disease mechanism: loss of function.

Submissions (2):

PreventionGenetics, part of Exact Sciences
Classification: Likely benign for PEX6-related condition. Last evaluated: 2026-02-02. Review status: criteria provided, single submitter. Criteria: ACMG Guidelines, 2015. Collection method: clinical testing. Allele origin: germline.
Comment: This variant is classified as likely benign based on ACMG/AMP sequence variant interpretation guidelines (Richards et al. 2015 PMID: 25741868, with internal and published modifications).

Labcorp Genetics (formerly Invitae), Labcorp
Classification: Likely benign for Peroxisome biogenesis disorder. Last evaluated: 2021-08-26. Review status: criteria provided, single submitter. Criteria: Invitae Variant Classification Sherloc (09022015). Collection method: clinical testing. Allele origin: germline.